The following is an entry in ClinVar:

NC_000007.13:g.(?_16348128)_(16445982_?)del

Gene: CRPPA (CDP-L-ribitol pyrophosphorylase A; minus strand). Cytogenetic location: 7p21.2.
Variant type: Deletion.
Identifiers: ClinVar variation 1680628 (VCV001680628.4).

ClinVar aggregate classification (germline): Pathogenic (1 of 4 stars; one submission).

Conditions:
Muscular dystrophy-dystroglycanopathy (congenital with brain and eye anomalies), type A, 7. Also called: WALKER-WARBURG SYNDROME OR MUSCLE-EYE-BRAIN DISEASE, ISPD-RELATED; Congenital muscular dystrophy-dystroglycanopathy with brain and eye anomalies, type A7. Identifiers: Orphanet 899, MedGen C3553330, MONDO:0013835, OMIM 614643.
Autosomal recessive limb-girdle muscular dystrophy type 2U. Also called: Muscular dystrophy-dystroglycanopathy (limb-girdle), type c, 7; MUSCULAR DYSTROPHY, LIMB-GIRDLE, TYPE 2U. Identifiers: Orphanet 352479, MedGen C5190987, MONDO:0014474, OMIM 616052.

Submission:

Labcorp Genetics (formerly Invitae), Labcorp
Classification: Pathogenic for Muscular dystrophy-dystroglycanopathy (congenital with brain and eye anomalies), type A, 7; Autosomal recessive limb-girdle muscular dystrophy type 2U. Last evaluated: 2022-09-06. Review status: criteria provided, single submitter. Criteria: Invitae Variant Classification Sherloc (09022015). Collection method: clinical testing. Allele origin: germline.
Comment: For these reasons, this variant has been classified as Pathogenic. This variant has not been reported in the literature in individuals affected with ISPD-related conditions. This variant is a gross deletion of the genomic region encompassing exon(s) 2-4 of the ISPD gene. This deletion is out-of-frame, and is expected to create a premature termination codon and result in an absent or disrupted protein product. Loss-of-function variants in ISPD are known to be pathogenic (PMID: 23288328).

Literature cited by the submitters: PubMed 23288328.